The following is an entry in ClinVar:

ClinVar aggregate classification (germline): Uncertain significance (1 of 4 stars; one submission).

Submission:

GeneDx
Classification: Uncertain significance. Last evaluated: 2022-06-14. Review status: criteria provided, single submitter. Criteria: GeneDx Variant Classification Process June 2021. Collection method: clinical testing. Allele origin: germline. Affected: yes.
Comment: Not observed at significant frequency in large population cohorts (gnomAD); In silico analysis supports that this missense variant has a deleterious effect on protein structure/function; Has not been previously published as pathogenic or benign to our knowledge

NM_001384474.1(LOXHD1):c.2636G>C (p.Arg879Pro)

Gene: LOXHD1 (lipoxygenase homology PLAT domains 1; minus strand). Cytogenetic location: 18q21.1.
Variant type: single nucleotide variant.
Coding change: c.2636G>C on transcript NM_001384474.1 (MANE Select); coding-DNA position 2636, G replaced by C.
Protein change: p.Arg879Pro; replaces arginine 879 with proline.
Molecular consequence: missense variant.
Genome position (GRCh38, 1-based): chr18:46,560,508, C>G on the plus strand (G>C on the coding strand, the complement: LOXHD1 is on the minus strand). VCF-style: chr18-46560508-C-G. GRCh37 (hg19) VCF-style: chr18-44140471-C-G.
Other names: c.2636G>C, p.Arg879Pro (NM_144612.7); short protein forms R879P.
Identifiers: ClinVar variation 1804401 (VCV001804401.1), dbSNP rs1036336850, ClinGen allele CA402371885.